The following is an entry in ClinVar:

ClinVar aggregate classification (germline): Likely pathogenic (1 of 4 stars; one submission).

Conditions:
Severe X-linked myotubular myopathy (CNMX). Also called: MYOTUBULAR MYOPATHY 1; X-linked centronuclear myopathy; Myotubular myopathy, X-linked. Identifiers: Orphanet 596, MedGen C0410203, MONDO:0010683, OMIM 310400.

Submission:

Labcorp Genetics (formerly Invitae), Labcorp
Classification: Likely pathogenic for Severe X-linked myotubular myopathy. Last evaluated: 2020-09-17. Review status: criteria provided, single submitter. Criteria: Invitae Variant Classification Sherloc (09022015). Collection method: clinical testing. Allele origin: germline.
Comment: Algorithms developed to predict the effect of missense changes on protein structure and function are either unavailable or do not agree on the potential impact of this missense change (SIFT: "Deleterious"; PolyPhen-2: "Probably Damaging"; Align-GVGD: "Class C0"). In summary, the currently available evidence indicates that the variant is pathogenic, but additional data are needed to prove that conclusively. Therefore, this variant has been classified as Likely Pathogenic. This variant has been observed in individual(s) with clinical features of congenital myopathy (Invitae). In at least one individual the variant was observed to be de novo. This variant is not present in population databases (ExAC no frequency). This sequence change replaces serine with asparagine at codon 243 of the MTM1 protein (p.Ser243Asn). The serine residue is highly conserved and there is a small physicochemical difference between serine and asparagine.

NM_000252.3(MTM1):c.728G>A (p.Ser243Asn)

Gene: MTM1 (myotubularin 1; plus strand). Cytogenetic location: Xq28.
Variant type: single nucleotide variant.
Coding change: c.728G>A on transcript NM_000252.3 (MANE Select); coding-DNA position 728, G replaced by A.
Protein change: p.Ser243Asn; replaces serine 243 with asparagine.
Molecular consequence: missense variant.
Genome position (GRCh38, 1-based): chrX:150,645,732, G>A. VCF-style: chrX-150645732-G-A. GRCh37 (hg19) VCF-style: chrX-149814205-G-A.
Other names: c.728G>A, p.Ser243Asn (NM_001376906.1, NM_001376908.1); c.617G>A, p.Ser206Asn (NM_001376907.1); short protein forms S206N, S243N.
Identifiers: ClinVar variation 840681 (VCV000840681.11), dbSNP rs2039919583, ClinGen allele CA415256391.